The following is an entry in ClinVar:

NM_000059.4(BRCA2):c.4277C>A (p.Thr1426Lys)

Gene: BRCA2 (BRCA2 DNA repair associated; plus strand). Cytogenetic location: 13q13.1.
Variant type: single nucleotide variant.
Coding change: c.4277C>A on transcript NM_000059.4 (MANE Select); coding-DNA position 4277, C replaced by A.
Protein change: p.Thr1426Lys; replaces threonine 1426 with lysine.
Molecular consequence: missense variant.
Genome position (GRCh38, 1-based): chr13:32,338,632, C>A. VCF-style: chr13-32338632-C-A. GRCh37 (hg19) VCF-style: chr13-32912769-C-A.
Other names: short protein forms T1426K.
Identifiers: ClinVar variation 628918 (VCV000628918.7), dbSNP rs748591104, ClinGen allele CA387780587.

ClinVar aggregate classification (germline): Conflicting classifications of pathogenicity. Review status: criteria provided, conflicting classifications (1 of 4 stars). 3 submissions from 3 submitters: Uncertain significance (2); Likely benign (1). Last evaluated 2023-03-23.

Conditions:
Hereditary cancer-predisposing syndrome. Also called: Neoplastic Syndromes, Hereditary; Tumor predisposition; Hereditary neoplastic syndrome; Hereditary Cancer Syndrome. Identifiers: Orphanet 140162, MedGen C0027672, MeSH D009386, MONDO:0015356.

Submissions (3):

University of Washington Department of Laboratory Medicine, University of Washington
Classification: Likely benign for Hereditary cancer-predisposing syndrome. Last evaluated: 2023-03-23. Review status: criteria provided, single submitter. Criteria: Dines et al. (Genet Med. 2020). Collection method: curation. Allele origin: germline.
Comment: Missense variant in a coldspot region where missense variants are very unlikely to be pathogenic (PMID:31911673).

BRCA2 exon 11 coldspot. Reclassification based on statistical prior probability.

Ambry Genetics
Classification: Uncertain significance for Hereditary cancer-predisposing syndrome. Last evaluated: 2022-05-03. Review status: criteria provided, single submitter. Criteria: Ambry Variant Classification Scheme 2023. Collection method: clinical testing. Allele origin: germline.
Comment: The p.T1426K variant (also known as c.4277C>A), located in coding exon 10 of the BRCA2 gene, results from a C to A substitution at nucleotide position 4277. The threonine at codon 1426 is replaced by lysine, an amino acid with similar properties. This alteration was identified within a cohort of 874 unrelated Italian breast or ovarian cancer patients undergoing genetic testing based on suspicion for HBOC (Fanale D et al. Front Oncol, 2021 Jun;11:682445). This amino acid position is poorly conserved in available vertebrate species. In addition, this alteration is predicted to be tolerated by in silico analysis. Since supporting evidence is limited at this time, the clinical significance of this alteration remains unclear.

Color Diagnostics, LLC DBA Color Health
Classification: Uncertain significance for Hereditary cancer-predisposing syndrome. Last evaluated: 2019-04-14. Review status: criteria provided, single submitter. Criteria: ACMG Guidelines, 2015. Collection method: clinical testing. Allele origin: germline.

Literature cited by the submitters: PubMed 34178674 (cited by Ambry Genetics).